The following is an entry in ClinVar:

NM_001243133.2(NLRP3):c.2105T>G (p.Val702Gly)

Gene: NLRP3 (NLR family pyrin domain containing 3; plus strand). Cytogenetic location: 1q44.
Variant type: single nucleotide variant.
Coding change: c.2105T>G on transcript NM_001243133.2 (MANE Select); coding-DNA position 2105, T replaced by G.
Protein change: p.Val702Gly; replaces valine 702 with glycine.
Molecular consequence: missense variant.
Genome position (GRCh38, 1-based): chr1:247,425,554, T>G. VCF-style: chr1-247425554-T-G. GRCh37 (hg19) VCF-style: chr1-247588856-T-G.
Other names: c.2105T>G, p.Val702Gly (NM_001079821.3, NM_001127461.3, NM_001127462.3 and 1 more transcripts); c.2111T>G, p.Val704Gly (NM_004895.5); short protein forms V704G, V702G.
Identifiers: ClinVar variation 2980215 (VCV002980215.4), dbSNP rs1572174428, ClinGen allele CA345558678.

ClinVar aggregate classification (germline): Uncertain significance. Review status: criteria provided, multiple submitters, no conflicts (2 of 4 stars). 2 submissions from 2 submitters: Uncertain significance (2). Last evaluated 2023-08-24.

Conditions:
Cryopyrin associated periodic syndrome (CAPS). Identifiers: Orphanet 208650, MedGen C2316212, MONDO:0016168.

Submissions (2):

Labcorp Genetics (formerly Invitae), Labcorp
Classification: Uncertain significance for Cryopyrin associated periodic syndrome. Last evaluated: 2023-08-24. Review status: criteria provided, single submitter. Criteria: Invitae Variant Classification Sherloc (09022015). Collection method: clinical testing. Allele origin: germline.
Comment: In summary, the available evidence is currently insufficient to determine the role of this variant in disease. Therefore, it has been classified as a Variant of Uncertain Significance. Advanced modeling of protein sequence and biophysical properties (such as structural, functional, and spatial information, amino acid conservation, physicochemical variation, residue mobility, and thermodynamic stability) performed at Invitae indicates that this missense variant is not expected to disrupt NLRP3 protein function. This variant has not been reported in the literature in individuals affected with NLRP3-related conditions. This variant is not present in population databases (gnomAD no frequency). This sequence change replaces valine, which is neutral and non-polar, with glycine, which is neutral and non-polar, at codon 704 of the NLRP3 protein (p.Val704Gly).

Blueprint Genetics
Classification: Uncertain significance. Last evaluated: 2022-09-07. Review status: criteria provided, single submitter. Criteria: ACMG Guidelines, 2015. Collection method: clinical testing. Allele origin: germline.